The following is an entry in ClinVar:

ClinVar aggregate classification (germline): Likely benign (1 of 4 stars; one submission).

Allele frequency attached by ClinVar (database versions not stated): gnomAD 0.00003; gnomAD exomes 0.00004.
gnomAD v4.1: 16 of 399,284 alleles (0.004%); highest among the groups gnomAD compares: Admixed American, 0.013%; no homozygotes.

Submission:

CeGaT Center for Human Genetics Tuebingen
Classification: Likely benign. Last evaluated: 2022-06-01. Review status: criteria provided, single submitter. Criteria: CeGaT Center For Human Genetics Tuebingen Variant Classification Criteria Version 2. Collection method: clinical testing. Allele origin: germline. Affected: yes. Observed: 1 variant allele.
Comment: LOC400499: BP4, BP7

NM_001370704.1(APOLTP):c.5682C>T (p.Ser1894=)

Gene: APOLTP (apolipoprotein lipid transfer particle homolog; minus strand). Cytogenetic location: 16p13.13.
Variant type: single nucleotide variant.
Coding change: c.5682C>T on transcript NM_001370704.1 (MANE Select); coding-DNA position 5682, C replaced by T.
Protein change: p.Ser1894=; no amino-acid change (serine 1894 retained).
Molecular consequence: synonymous variant.
Genome position (GRCh38, 1-based): chr16:11,425,351, G>A on the plus strand (C>T on the coding strand, the complement: APOLTP is on the minus strand). VCF-style: chr16-11425351-G-A. GRCh37 (hg19) VCF-style: chr16-11519207-G-A.
Other names: c.5682C>T, p.Ser1894= (NM_001395505.1).
Identifiers: ClinVar variation 2646222 (VCV002646222.24), dbSNP rs1333685956, ClinGen allele CA493698648.